The following is an entry in ClinVar:

ClinVar aggregate classification (germline): Uncertain significance (1 of 4 stars; one submission).

Submission:

Labcorp Genetics (formerly Invitae), Labcorp
Classification: Uncertain significance. Last evaluated: 2024-06-10. Review status: criteria provided, single submitter. Criteria: Invitae Variant Classification Sherloc (09022015). Collection method: clinical testing. Allele origin: germline.
Comment: This sequence change replaces arginine, which is basic and polar, with tryptophan, which is neutral and slightly polar, at codon 1594 of the CACNA1D protein (p.Arg1594Trp). This variant is not present in population databases (gnomAD no frequency). This variant has not been reported in the literature in individuals affected with CACNA1D-related conditions. Advanced modeling of protein sequence and biophysical properties (such as structural, functional, and spatial information, amino acid conservation, physicochemical variation, residue mobility, and thermodynamic stability) performed at Invitae indicates that this missense variant is expected to disrupt CACNA1D protein function with a positive predictive value of 80%. Algorithms developed to predict the effect of sequence changes on RNA splicing suggest that this variant may disrupt the consensus splice site. In summary, the available evidence is currently insufficient to determine the role of this variant in disease. Therefore, it has been classified as a Variant of Uncertain Significance.

NM_001128840.3(CACNA1D):c.4720C>T (p.Arg1574Trp)

Gene: CACNA1D (calcium voltage-gated channel subunit alpha1 D; plus strand). Cytogenetic location: 3p21.1.
Variant type: single nucleotide variant.
Coding change: c.4720C>T on transcript NM_001128840.3 (MANE Select); coding-DNA position 4720, C replaced by T.
Protein change: p.Arg1574Trp; replaces arginine 1574 with tryptophan.
Molecular consequence: missense variant.
Genome position (GRCh38, 1-based): chr3:53,781,595, C>T. VCF-style: chr3-53781595-C-T. GRCh37 (hg19) VCF-style: chr3-53815622-C-T.
Other names: c.4780C>T, p.Arg1594Trp (NM_000720.4); c.4675C>T, p.Arg1559Trp (NM_001128839.3); short protein forms R1574W, R1559W, R1594W.
Identifiers: ClinVar variation 2883379 (VCV002883379.3), dbSNP rs2095425714, ClinGen allele CA353245858.